The following is an entry in ClinVar:

ClinVar aggregate classification (germline): Uncertain significance. Review status: criteria provided, multiple submitters, no conflicts (2 of 4 stars). 2 submissions from 2 submitters: Uncertain significance (2). Last evaluated 2026-01-26.

gnomAD v4.1: 27 of 1,614,022 alleles (0.0017%); highest among the groups gnomAD compares: African/African-American, 0.036%; no homozygotes.

Submissions (2):

Labcorp Genetics (formerly Invitae), Labcorp
Classification: Uncertain significance. Last evaluated: 2026-01-26. Review status: criteria provided, single submitter. Criteria: Invitae Variant Classification Sherloc (09022015). Collection method: clinical testing. Allele origin: germline.
Comment: This sequence change replaces asparagine, which is neutral and polar, with lysine, which is basic and polar, at codon 277 of the ARHGEF10 protein (p.Asn277Lys). This variant is present in population databases (rs756594069, gnomAD 0.02%). This variant has not been reported in the literature in individuals affected with ARHGEF10-related conditions. ClinVar contains an entry for this variant (Variation ID: 3781618). An algorithm developed to predict the effect of missense changes on protein structure and function (PolyPhen-2) suggests that this variant is likely to be tolerated. In summary, the available evidence is currently insufficient to determine the role of this variant in disease. Therefore, it has been classified as a Variant of Uncertain Significance.

Ambry Genetics
Classification: Uncertain significance. Last evaluated: 2024-12-20. Review status: criteria provided, single submitter. Criteria: Ambry Variant Classification Scheme 2023. Collection method: clinical testing. Allele origin: germline.

NM_014629.4(ARHGEF10):c.831C>A (p.Asn277Lys)

Gene: ARHGEF10 (Rho guanine nucleotide exchange factor 10; plus strand). Cytogenetic location: 8p23.3.
Variant type: single nucleotide variant.
Coding change: c.831C>A on transcript NM_014629.4 (MANE Select); coding-DNA position 831, C replaced by A.
Protein change: p.Asn277Lys; replaces asparagine 277 with lysine.
Molecular consequence: missense variant.
Genome position (GRCh38, 1-based): chr8:1,876,722, C>A. VCF-style: chr8-1876722-C-A. GRCh37 (hg19) VCF-style: chr8-1824888-C-A.
Other names: c.834C>A, p.Asn278Lys (NM_001308152.2, NM_001308153.3); short protein forms N277K, N278K, N302K.
Identifiers: ClinVar variation 3781618 (VCV003781618.2).